The following is an entry in ClinVar:

NM_001130438.3(SPTAN1):c.1073A>T (p.Asn358Ile)

Gene: SPTAN1 (spectrin alpha, non-erythrocytic 1; plus strand). Cytogenetic location: 9q34.11.
Variant type: single nucleotide variant.
Coding change: c.1073A>T on transcript NM_001130438.3 (MANE Select); coding-DNA position 1073, A replaced by T.
Protein change: p.Asn358Ile; replaces asparagine 358 with isoleucine.
Molecular consequence: missense variant.
Genome position (GRCh38, 1-based): chr9:128,577,494, A>T. VCF-style: chr9-128577494-A-T. GRCh37 (hg19) VCF-style: chr9-131339773-A-T.
Other names: c.1073A>T, p.Asn358Ile (NM_001195532.2, NM_001363759.2, NM_001363765.2 and 5 more transcripts); c.1109A>T, p.Asn370Ile (NM_001375312.2, NM_001375318.1); short protein forms N358I, N370I.
Identifiers: ClinVar variation 3615926 (VCV003615926.2).
Genomic context (GRCh38, chr9:128,577,494, plus strand): 5'-AACTGATTACAAACTGGGAGCAGATCCGCACCTTGGCGGCAGAGAGACATGCACGGCTCA[A>T]TGATTCATACAGGTGCAAATAATGCTCCAGGTCTTAACCAGTATCATTTGGCTTCTTTTT-3'
Protein context (NP_001123910.1, residues 348-368): TLAAERHARL[Asn358Ile]DSYRLQRFLA

ClinVar aggregate classification (germline): Uncertain significance (1 of 4 stars; one submission).

Conditions:
Early-infantile DEE. Also called: Early infantile epileptic encephalopathy; Ohtahara syndrome; Early infantile epileptic encephalopathy with suppression bursts. Identifiers: Orphanet 1934, MedGen C0393706, MONDO:0800491.

Submission:

Labcorp Genetics (formerly Invitae), Labcorp
Classification: Uncertain significance for Early-infantile DEE. Last evaluated: 2024-03-10. Review status: criteria provided, single submitter. Criteria: Invitae Variant Classification Sherloc (09022015). Collection method: clinical testing. Allele origin: germline.
Comment: This sequence change replaces asparagine, which is neutral and polar, with isoleucine, which is neutral and non-polar, at codon 358 of the SPTAN1 protein (p.Asn358Ile). This variant is present in population databases (rs201947293, gnomAD 0.006%). This variant has not been reported in the literature in individuals affected with SPTAN1-related conditions. Advanced modeling of protein sequence and biophysical properties (such as structural, functional, and spatial information, amino acid conservation, physicochemical variation, residue mobility, and thermodynamic stability) has been performed at Invitae for this missense variant, however the output from this modeling did not meet the statistical confidence thresholds required to predict the impact of this variant on SPTAN1 protein function. In summary, the available evidence is currently insufficient to determine the role of this variant in disease. Therefore, it has been classified as a Variant of Uncertain Significance.